The following is an entry in ClinVar:

NM_002880.4(RAF1):c.93A>G (p.Thr31=)

Gene: RAF1 (Raf-1 proto-oncogene, serine/threonine kinase; minus strand). Cytogenetic location: 3p25.2.
Variant type: single nucleotide variant.
Coding change: c.93A>G on transcript NM_002880.4 (MANE Select); coding-DNA position 93, A replaced by G.
Protein change: p.Thr31=; no amino-acid change (threonine 31 retained).
Molecular consequence: synonymous variant. On other transcripts: 5 prime UTR variant (4), non-coding transcript variant (3).
Genome position (GRCh38, 1-based): chr3:12,618,629, T>C on the plus strand (A>G on the coding strand, the complement: RAF1 is on the minus strand). VCF-style: chr3-12618629-T-C. GRCh37 (hg19) VCF-style: chr3-12660128-T-C.
Other names: c.93A>G, p.Thr31= (NM_001354689.3, NM_001354690.3, NM_001354693.3); c.-38A>G (NM_001354691.3, NM_001354692.3, NM_001354694.3 and 1 more transcripts).
Identifiers: ClinVar variation 1214311 (VCV001214311.13), dbSNP rs762478810, ClinGen allele CA2259839.

ClinVar aggregate classification (germline): Likely benign. Review status: criteria provided, multiple submitters, no conflicts (2 of 4 stars). 4 submissions from 4 submitters: Likely benign (4). Last evaluated 2026-02-03.

Conditions:
Cardiovascular phenotype. Identifiers: MedGen CN230736.
RASopathy. Also called: Noonan spectrum disorder; rasopathies. Identifiers: Orphanet 536391, MedGen C5555857, MONDO:0021060.

Allele frequency attached by ClinVar (database versions not stated): TOPMed below 0.00001; ExAC 0.00001; gnomAD 0.00001; gnomAD exomes 0.00001 and 0.00002.
gnomAD v4.1: 27 of 1,614,116 alleles (0.0017%); highest among the groups gnomAD compares: South Asian, 0.011%; no homozygotes.

Submissions (4):

Ambry Genetics
Classification: Likely benign for Cardiovascular phenotype. Last evaluated: 2026-02-03. Review status: criteria provided, single submitter. Criteria: Ambry Variant Classification Scheme 2023. Collection method: clinical testing. Allele origin: germline.

Labcorp Genetics (formerly Invitae), Labcorp
Classification: Likely benign for RASopathy. Last evaluated: 2024-02-15. Review status: criteria provided, single submitter. Criteria: Invitae Variant Classification Sherloc (09022015). Collection method: clinical testing. Allele origin: germline.

Women's Health and Genetics/Laboratory Corporation of America, LabCorp
Classification: Likely benign. Last evaluated: 2022-01-29. Review status: criteria provided, single submitter. Criteria: LabCorp Variant Classification Summary - May 2015. Collection method: clinical testing. Allele origin: germline.
Comment: Variant summary: RAF1 c.93A>G alters a non-conserved nucleotide resulting in a synonymous change. 4/4 computational tools predict no significant impact on normal splicing. However, these predictions have yet to be confirmed by functional studies. The variant allele was found at a frequency of 1.2e-05 in 251488 control chromosomes. The available data on variant occurrences in the general population are insufficient to allow any conclusion about variant significance. To our knowledge, no occurrence of c.93A>G in individuals affected with Noonan Syndrome and no experimental evidence demonstrating its impact on protein function have been reported. One clinical diagnostic laboratory has submitted clinical-significance assessments for this variant to ClinVar after 2014 without evidence for independent evaluation and classified the variant as likely benign. Based on the evidence outlined above, the variant was classified as likely benign.

GeneDx
Classification: Likely benign. Last evaluated: 2021-01-14. Review status: criteria provided, single submitter. Criteria: GeneDx Variant Classification Process June 2021. Collection method: clinical testing. Allele origin: germline. Affected: yes.